The following is an entry in ClinVar:

NM_032607.3(CREB3L3):c.61G>A (p.Asp21Asn)

Gene: CREB3L3 (cAMP responsive element binding protein 3 like 3; plus strand). Cytogenetic location: 19p13.3.
Variant type: single nucleotide variant.
Coding change: c.61G>A on transcript NM_032607.3 (MANE Select); coding-DNA position 61, G replaced by A.
Protein change: p.Asp21Asn; replaces aspartic acid 21 with asparagine.
Molecular consequence: missense variant.
Genome position (GRCh38, 1-based): chr19:4,154,932, G>A. VCF-style: chr19-4154932-G-A. GRCh37 (hg19) VCF-style: chr19-4154929-G-A.
Other names: c.61G>A, p.Asp21Asn (NM_001271995.2, NM_001271996.2, NM_001271997.2); short protein forms D21N.
Identifiers: ClinVar variation 4692101 (VCV004692101.1).

ClinVar aggregate classification (germline): Uncertain significance (1 of 4 stars; one submission).

gnomAD v4.1: 23 of 1,613,854 alleles (0.0014%); highest among the groups gnomAD compares: Admixed American, 0.012%; no homozygotes.

Submission:

Labcorp Genetics (formerly Invitae), Labcorp
Classification: Uncertain significance. Last evaluated: 2025-12-14. Review status: criteria provided, single submitter. Criteria: Invitae Variant Classification Sherloc (09022015). Collection method: clinical testing. Allele origin: germline.
Comment: This sequence change replaces aspartic acid, which is acidic and polar, with asparagine, which is neutral and polar, at codon 21 of the CREB3L3 protein (p.Asp21Asn). This variant is present in population databases (rs577365497, gnomAD 0.01%). This variant has not been reported in the literature in individuals affected with CREB3L3-related conditions. An algorithm developed to predict the effect of missense changes on protein structure and function (PolyPhen-2) suggests that this variant is likely to be tolerated. In summary, the available evidence is currently insufficient to determine the role of this variant in disease. Therefore, it has been classified as a Variant of Uncertain Significance.